The following is an entry in ClinVar:

ClinVar aggregate classification (germline): Likely benign. Review status: criteria provided, multiple submitters, no conflicts (2 of 4 stars). 6 submissions from 6 submitters: Likely benign (6). Last evaluated 2026-08-01.

Conditions:
Rubinstein-Taybi syndrome due to CREBBP mutations (RSTS1). Also called: BROAD THUMBS AND GREAT TOES, CHARACTERISTIC FACIES, AND IMPAIRED INTELLECTUAL DEVELOPMENT; RUBINSTEIN-TAYBI SYNDROME 1, INCOMPLETE; BROAD THUMB-HALLUX SYNDROME; CREBBP-Related Rubinstein-Taybi Syndrome; RUBINSTEIN SYNDROME; Rubinstein-Taybi syndrome 1. Identifiers: Orphanet 353277, Orphanet 783, MedGen C4551859, MONDO:0008393, OMIM 180849.
Menke-Hennekam syndrome 1 (MKHK1). Identifiers: MedGen C5193034, MONDO:0020763, OMIM 618332.
Rubinstein-Taybi syndrome (RSTS). Identifiers: Orphanet 783, MedGen C0035934, MONDO:0019188.
Inborn genetic diseases. Identifiers: MedGen C0950123, MeSH D030342.

Allele frequency attached by ClinVar (database versions not stated): gnomAD 0.00003 and 0.00007; TOPMed 0.00015.
gnomAD v4.1: 62 of 1,613,716 alleles (0.0038%); highest among the groups gnomAD compares: Middle Eastern, 0.051%; no homozygotes.

Submissions (6):

CeGaT Center for Human Genetics Tuebingen
Classification: Likely benign. Last evaluated: 2026-08-01. Review status: criteria provided, single submitter. Criteria: CeGaT Center For Human Genetics Tuebingen Variant Classification Criteria Version 2. Collection method: clinical testing. Allele origin: germline. Affected: yes. Observed: 2 variant alleles.
Comment: CREBBP: BP4, BP7

Blueprint Genetics
Classification: Likely benign. Last evaluated: 2024-11-04. Review status: criteria provided, single submitter. Criteria: ACMG Guidelines, 2015. Collection method: clinical testing. Allele origin: germline.

Labcorp Genetics (formerly Invitae), Labcorp
Classification: Likely benign for Rubinstein-Taybi syndrome. Last evaluated: 2024-10-30. Review status: criteria provided, single submitter. Criteria: Invitae Variant Classification Sherloc (09022015). Collection method: clinical testing. Allele origin: germline.

Fulgent Genetics
Classification: Likely benign for Rubinstein-Taybi syndrome due to CREBBP mutations; Menke-Hennekam syndrome 1. Last evaluated: 2022-01-11. Review status: criteria provided, single submitter. Criteria: ACMG Guidelines, 2015. Collection method: clinical testing. Allele origin: unknown.

GeneDx
Classification: Likely benign. Last evaluated: 2021-07-06. Review status: criteria provided, single submitter. Criteria: GeneDx Variant Classification Process June 2021. Collection method: clinical testing. Allele origin: germline. Affected: yes.

Ambry Genetics
Classification: Likely benign for Inborn genetic diseases. Last evaluated: 2018-09-15. Review status: criteria provided, single submitter. Criteria: Ambry Variant Classification Scheme 2023. Collection method: clinical testing. Allele origin: germline.

NM_004380.3(CREBBP):c.2439G>A (p.Pro813=)

Gene: CREBBP (CREB binding lysine acetyltransferase; minus strand). Cytogenetic location: 16p13.3.
Variant type: single nucleotide variant.
Coding change: c.2439G>A on transcript NM_004380.3 (MANE Select); coding-DNA position 2439, G replaced by A.
Protein change: p.Pro813=; no amino-acid change (proline 813 retained).
Molecular consequence: synonymous variant.
Genome position (GRCh38, 1-based): chr16:3,773,775, C>T on the plus strand (G>A on the coding strand, the complement: CREBBP is on the minus strand). VCF-style: chr16-3773775-C-T. GRCh37 (hg19) VCF-style: chr16-3823776-C-T.
Other names: c.2325G>A, p.Pro775= (NM_001079846.1).
Identifiers: ClinVar variation 1199433 (VCV001199433.47), dbSNP rs763702839, ClinGen allele CA7870137.